The following is an entry in ClinVar:

ClinVar aggregate classification (germline): Conflicting classifications of pathogenicity. Review status: criteria provided, conflicting classifications (1 of 4 stars). 4 submissions from 4 submitters: Uncertain significance (1); Benign (1); Likely benign (2). Last evaluated 2025-03-11.

Conditions:
Hereditary cancer-predisposing syndrome. Also called: Tumor predisposition; Hereditary neoplastic syndrome; Neoplastic Syndromes, Hereditary; Hereditary Cancer Syndrome. Identifiers: Orphanet 140162, MedGen C0027672, MeSH D009386, MONDO:0015356.
APC-Associated Polyposis Disorders.
Familial adenomatous polyposis 1 (FAP1). Also called: FAMILIAL ADENOMATOUS POLYPOSIS 1, ATTENUATED; POLYPOSIS, ADENOMATOUS INTESTINAL. Identifiers: MedGen C2713442, MONDO:0021056, OMIM 175100. Disease mechanism: loss of function.

gnomAD v4.1: 3 of 1,610,584 alleles (0.00019%); highest among the groups gnomAD compares: South Asian, 0.0022%; no homozygotes.

Submissions (4):

Labcorp Genetics (formerly Invitae), Labcorp
Classification: Likely benign for Familial adenomatous polyposis 1. Last evaluated: 2025-03-11. Review status: criteria provided, single submitter. Criteria: Invitae Variant Classification Sherloc (09022015). Collection method: clinical testing. Allele origin: germline.

Myriad Genetics, Inc.
Classification: Benign for Familial adenomatous polyposis 1. Last evaluated: 2024-02-26. Review status: criteria provided, single submitter. Criteria: Myriad Autosomal Dominant, Autosomal Recessive and X-Linked Classification Criteria (2023). Collection method: clinical testing. Allele origin: unknown.
Comment: This variant is considered benign. This variant is a silent/synonymous amino acid change and it is not expected to impact splicing.

Ambry Genetics
Classification: Likely benign for Hereditary cancer-predisposing syndrome. Last evaluated: 2019-09-09. Review status: criteria provided, single submitter. Criteria: Ambry Variant Classification Scheme 2023. Collection method: clinical testing. Allele origin: germline.

Illumina Laboratory Services, Illumina
Classification: Uncertain significance for APC-Associated Polyposis Disorders. Last evaluated: 2018-04-06. Review status: criteria provided, single submitter. Criteria: ICSL Variant Classification Criteria 13 December 2019. Collection method: clinical testing. Allele origin: germline.

NM_000038.6(APC):c.672C>A (p.Ile224=)

Gene: APC (APC regulator of Wnt signaling pathway; plus strand). Cytogenetic location: 5q22.2.
Variant type: single nucleotide variant.
Coding change: c.672C>A on transcript NM_000038.6 (MANE Select); coding-DNA position 672, C replaced by A.
Protein change: p.Ile224=; no amino-acid change (isoleucine 224 retained).
Molecular consequence: synonymous variant. On other transcripts: 5 prime UTR variant (1), intron variant (2).
Genome position (GRCh38, 1-based): chr5:112,792,472, C>A. VCF-style: chr5-112792472-C-A. GRCh37 (hg19) VCF-style: chr5-112128169-C-A.
Other names: c.672C>A, p.Ile224= (NM_001127510.3, NM_001354895.2, NM_001354896.2 and 1 more transcripts); c.702C>A, p.Ile234= (NM_001354897.2, NM_001354902.2); c.597C>A, p.Ile199= (NM_001354898.2, NM_001354904.2); c.495C>A, p.Ile165= (NM_001354900.2, NM_001354901.2, NM_001354905.2); c.-364C>A (NM_001354906.2); c.676-8807C>A (NM_001127511.3); c.646-8807C>A (NM_001354899.2).
Identifiers: ClinVar variation 751722 (VCV000751722.19), dbSNP rs367816013, ClinGen allele CA045928.